The following is an entry in ClinVar:

NM_020693.4(DSCAML1):c.4085C>T (p.Thr1362Met)

Gene: DSCAML1 (DS cell adhesion molecule like 1; minus strand). Cytogenetic location: 11q23.3.
Variant type: single nucleotide variant.
Coding change: c.4085C>T on transcript NM_020693.4 (MANE Select); coding-DNA position 4085, C replaced by T.
Protein change: p.Thr1362Met; replaces threonine 1362 with methionine.
Molecular consequence: missense variant.
Genome position (GRCh38, 1-based): chr11:117,439,325, G>A on the plus strand (C>T on the coding strand, the complement: DSCAML1 is on the minus strand). VCF-style: chr11-117439325-G-A. GRCh37 (hg19) VCF-style: chr11-117310041-G-A.
Other names: c.4265C>T (NM_020693.2); short protein forms T1362M.
Identifiers: ClinVar variation 1390942 (VCV001390942.7), dbSNP rs371160810, ClinGen allele CA6296498.

ClinVar aggregate classification (germline): Uncertain significance. Review status: criteria provided, multiple submitters, no conflicts (2 of 4 stars). 2 submissions from 2 submitters: Uncertain significance (2). Last evaluated 2025-09-10.

Allele frequency attached by ClinVar (database versions not stated): ExAC 0.00001; gnomAD exomes 0.00002 and 0.00005; gnomAD 0.00005 and 0.00006; ESP Exome Variant Server 0.00008; TOPMed 0.00014.
gnomAD v4.1: 40 of 1,613,982 alleles (0.0025%); highest among the groups gnomAD compares: Admixed American, 0.03%; no homozygotes.

Submissions (2):

Labcorp Genetics (formerly Invitae), Labcorp
Classification: Uncertain significance. Last evaluated: 2025-09-10. Review status: criteria provided, single submitter. Criteria: Invitae Variant Classification Sherloc (09022015). Collection method: clinical testing. Allele origin: germline.
Comment: This sequence change replaces threonine, which is neutral and polar, with methionine, which is neutral and non-polar, at codon 1422 of the DSCAML1 protein (p.Thr1422Met). This variant is present in population databases (rs371160810, gnomAD 0.03%). This variant has not been reported in the literature in individuals affected with DSCAML1-related conditions. ClinVar contains an entry for this variant (Variation ID: 1390942). An algorithm developed to predict the effect of missense changes on protein structure and function (PolyPhen-2) suggests that this variant is likely to be disruptive. In summary, the available evidence is currently insufficient to determine the role of this variant in disease. Therefore, it has been classified as a Variant of Uncertain Significance.

Ambry Genetics
Classification: Uncertain significance. Last evaluated: 2024-01-23. Review status: criteria provided, single submitter. Criteria: Ambry Variant Classification Scheme 2023. Collection method: clinical testing. Allele origin: germline.